The following is an entry in ClinVar:

NM_003054.6(SLC18A2):c.186G>A (p.Thr62=)

Gene: SLC18A2 (solute carrier family 18 member A2; plus strand). Cytogenetic location: 10q25.3.
Variant type: single nucleotide variant.
Coding change: c.186G>A on transcript NM_003054.6 (MANE Select); coding-DNA position 186, G replaced by A.
Protein change: p.Thr62=; no amino-acid change (threonine 62 retained).
Molecular consequence: synonymous variant.
Genome position (GRCh38, 1-based): chr10:117,244,035, G>A. VCF-style: chr10-117244035-G-A. GRCh37 (hg19) VCF-style: chr10-119003546-G-A.
Identifiers: ClinVar variation 1575177 (VCV001575177.32), dbSNP rs11568722, ClinGen allele CA5710215.
Genomic context (GRCh38, chr10:117,244,035, plus strand): 5'-CATCATCCCAAGTTATCTGTACAGCATTAAGCATGAGAAGAATGCTACAGAAATCCAGAC[G>A]GCCAGGCCAGTGCACACTGCCTCCATCTCAGACAGCTTCCAGAGCATCTTCTCCTATTAT-3'
Protein context (NP_003045.2, residues 52-72): KHEKNATEIQ[Thr62=]ARPVHTASIS

ClinVar aggregate classification (germline): Likely benign. Review status: criteria provided, multiple submitters, no conflicts (2 of 4 stars). 2 submissions from 2 submitters: Likely benign (2). Last evaluated 2026-01-05.

Allele frequency attached by ClinVar (database versions not stated): TOPMed 0.00029; gnomAD exomes 0.00032 and 0.00043; ExAC 0.00034; gnomAD 0.00041 and 0.00043; ESP Exome Variant Server 0.00054.
gnomAD v4.1: 526 of 1,614,118 alleles (0.033%); highest among the groups gnomAD compares: Non-Finnish European, 0.034%; no homozygotes.

Submissions (2):

Labcorp Genetics (formerly Invitae), Labcorp
Classification: Likely benign. Last evaluated: 2026-01-05. Review status: criteria provided, single submitter. Criteria: Invitae Variant Classification Sherloc (09022015). Collection method: clinical testing. Allele origin: germline.

CeGaT Center for Human Genetics Tuebingen
Classification: Likely benign. Last evaluated: 2022-06-01. Review status: criteria provided, single submitter. Criteria: CeGaT Center For Human Genetics Tuebingen Variant Classification Criteria Version 2. Collection method: clinical testing. Allele origin: germline. Affected: yes. Observed: 1 variant allele.
Comment: SLC18A2: BP4, BP7